The following is an entry in ClinVar:

NM_001382.4(DPAGT1):c.728+6T>C

Gene: DPAGT1 (dolichyl-phosphate N-acetylglucosaminephosphotransferase 1; minus strand). Cytogenetic location: 11q23.3.
Variant type: single nucleotide variant.
Coding change: c.728+6T>C on transcript NM_001382.4 (MANE Select); 6 bases into the intron after coding-DNA position 728, T replaced by C.
Molecular consequence: intron variant.
Genome position (GRCh38, 1-based): chr11:119,098,397, A>G on the plus strand (T>C on the coding strand, the complement: DPAGT1 is on the minus strand). VCF-style: chr11-119098397-A-G. GRCh37 (hg19) VCF-style: chr11-118969107-A-G.
Identifiers: ClinVar variation 1040359 (VCV001040359.4), dbSNP rs373170483, ClinGen allele CA6314560.

ClinVar aggregate classification (germline): Uncertain significance (1 of 4 stars; one submission).

Conditions:
Congenital myasthenic syndrome 13 (CMS13). Also called: Myasthenic syndrome, congenital, with tubular aggregates 2; Myasthenic syndrome, congenital, 13, with tubular aggregates. Identifiers: Orphanet 353327, Orphanet 590, MedGen C3553645, MONDO:0013883, OMIM 614750.
DPAGT1-congenital disorder of glycosylation. Also called: DPAGT1-CDG; CONGENITAL DISORDER OF GLYCOSYLATION, TYPE Ij; CDG Ij. Identifiers: Orphanet 86309, MedGen C2931004, MONDO:0011964, OMIM 608093.

Allele frequency attached by ClinVar (database versions not stated): gnomAD exomes 0.00001 and 0.00004; TOPMed 0.00002; gnomAD 0.00003 and 0.00004; ExAC 0.00004; ESP Exome Variant Server 0.00008.

Submission:

Labcorp Genetics (formerly Invitae), Labcorp
Classification: Uncertain significance for Congenital myasthenic syndrome 13; DPAGT1-congenital disorder of glycosylation. Last evaluated: 2021-10-14. Review status: criteria provided, single submitter. Criteria: Invitae Variant Classification Sherloc (09022015). Collection method: clinical testing. Allele origin: germline.
Comment: This sequence change falls in intron 5 of the DPAGT1 gene. It does not directly change the encoded amino acid sequence of the DPAGT1 protein. It affects a nucleotide within the consensus splice site of the intron. This variant is present in population databases (rs373170483, ExAC 0.03%). This variant has not been reported in the literature in individuals affected with DPAGT1-related conditions. Variants that disrupt the consensus splice site are a relatively common cause of aberrant splicing (PMID: 17576681, 9536098). Algorithms developed to predict the effect of sequence changes on RNA splicing suggest that this variant may disrupt the consensus splice site. In summary, the available evidence is currently insufficient to determine the role of this variant in disease. Therefore, it has been classified as a Variant of Uncertain Significance.

Literature cited by the submitters: PubMed 17576681; PubMed 9536098.